The following is an entry in ClinVar:

NM_003091.4(SNRPB):c.*148C>G

Gene: SNRPB (small nuclear ribonucleoprotein polypeptides B and B1; minus strand). Cytogenetic location: 20p13.
Variant type: single nucleotide variant.
Coding change: c.*148C>G on transcript NM_003091.4 (MANE Select); 148 bases downstream of the stop codon, C replaced by G.
Molecular consequence: 3 prime UTR variant. On other transcripts: missense variant (1).
Genome position (GRCh38, 1-based): chr20:2,461,781, G>C on the plus strand (C>G on the coding strand, the complement: SNRPB is on the minus strand). VCF-style: chr20-2461781-G-C. GRCh37 (hg19) VCF-style: chr20-2442427-G-C.
Other names: c.698C>G, p.Pro233Arg (NM_198216.2); short protein forms P233R.
Identifiers: ClinVar variation 2109470 (VCV002109470.4), dbSNP rs558249175, ClinGen allele CA408011880.

ClinVar aggregate classification (germline): Uncertain significance (1 of 4 stars; one submission).

Submission:

Labcorp Genetics (formerly Invitae), Labcorp
Classification: Uncertain significance. Last evaluated: 2024-01-19. Review status: criteria provided, single submitter. Criteria: Invitae Variant Classification Sherloc (09022015). Collection method: clinical testing. Allele origin: germline.
Comment: This sequence change replaces proline, which is neutral and non-polar, with arginine, which is basic and polar, at codon 233 of the SNRPB protein (p.Pro233Arg). This variant is not present in population databases (gnomAD no frequency). This variant has not been reported in the literature in individuals affected with SNRPB-related conditions. ClinVar contains an entry for this variant (Variation ID: 2109470). Experimental studies and prediction algorithms are not available or were not evaluated, and the functional significance of this variant is currently unknown. In summary, the available evidence is currently insufficient to determine the role of this variant in disease. Therefore, it has been classified as a Variant of Uncertain Significance.